The following is an entry in ClinVar:

ClinVar aggregate classification (germline): Uncertain significance (1 of 4 stars; one submission).

Conditions:
Congenital nongoitrous hypothyroidism 6. Also called: Congenital nongoitrous hypothryoidism 6. Identifiers: Orphanet 97927, MedGen C3280817, MONDO:0013757, OMIM 614450.

Submission:

Dasa
Classification: Uncertain significance for Congenital nongoitrous hypothyroidism 6. Last evaluated: 2025-09-01. Review status: criteria provided, single submitter. Criteria: DASA Assertion Criteria. Collection method: clinical testing. Allele origin: germline.
Comment: NM_199334.5(THRA):c.815A>T (p.Asp272Val) is a missense variant that results in the substitution of aspartic acid with valine. This variant is absent from population databases. Computational prediction algorithms are consistent with a deleterious effect. The currently available literature and clinical evidence are not sufficient to establish a definitive association between this variant and the reported condition. Therefore, this variant is classified as a variant of uncertain significance.

NM_199334.5(THRA):c.815A>T (p.Asp272Val)

Gene: THRA (thyroid hormone receptor alpha; plus strand). Cytogenetic location: 17q21.1.
Variant type: single nucleotide variant.
Coding change: c.815A>T on transcript NM_199334.5 (MANE Select); coding-DNA position 815, A replaced by T.
Protein change: p.Asp272Val; replaces aspartic acid 272 with valine.
Molecular consequence: missense variant.
Genome position (GRCh38, 1-based): chr17:40,088,333, A>T. VCF-style: chr17-40088333-A-T. GRCh37 (hg19) VCF-style: chr17-38244586-A-T.
Other names: c.815A>T, p.Asp272Val (NM_001190918.2, NM_001190919.2, NM_003250.6); short protein forms D272V.
Identifiers: ClinVar variation 4883343 (VCV004883343.2).